The following is an entry in ClinVar:

NM_000548.5(TSC2):c.1616T>C (p.Leu539Pro)

Gene: TSC2 (TSC complex subunit 2; plus strand). Cytogenetic location: 16p13.3.
Variant type: single nucleotide variant.
Coding change: c.1616T>C on transcript NM_000548.5 (MANE Select); coding-DNA position 1616, T replaced by C.
Protein change: p.Leu539Pro; replaces leucine 539 with proline.
Molecular consequence: missense variant.
Genome position (GRCh38, 1-based): chr16:2,065,535, T>C. VCF-style: chr16-2065535-T-C. GRCh37 (hg19) VCF-style: chr16-2115536-T-C.
Other names: c.1616T>C, p.Leu539Pro (NM_001077183.3, NM_001114382.3, NM_001363528.2 and 6 more transcripts); c.1505T>C, p.Leu502Pro (NM_001318827.2, NM_001406670.1, NM_001406678.1); c.1469T>C, p.Leu490Pro (NM_001318829.2, NM_001406675.1, NM_001406676.1 and 1 more transcripts); c.1016T>C, p.Leu339Pro (NM_001318831.2, NM_001406688.1, NM_001406680.1 and 6 more transcripts); c.1649T>C, p.Leu550Pro (NM_001318832.2); c.1706T>C, p.Leu569Pro (NM_001406667.1, NM_001406668.1); c.1604T>C, p.Leu535Pro (NM_001406671.1, NM_001406673.1); c.1559T>C, p.Leu520Pro (NM_001406677.1); and 3 more; short protein forms L339P, L490P, L502P, L520P, L91P, L385P, L535P, L569P.
Identifiers: ClinVar variation 1996149 (VCV001996149.4), dbSNP rs2087226212, ClinGen allele CA394267650.

ClinVar aggregate classification (germline): Uncertain significance (1 of 4 stars; one submission).

Conditions:
Tuberous sclerosis 2 (TSC2). Identifiers: Orphanet 805, MedGen C1860707, MONDO:0013199, OMIM 613254.

Submission:

Labcorp Genetics (formerly Invitae), Labcorp
Classification: Uncertain significance for Tuberous sclerosis 2. Last evaluated: 2022-05-19. Review status: criteria provided, single submitter. Criteria: Invitae Variant Classification Sherloc (09022015). Collection method: clinical testing. Allele origin: germline.
Comment: This sequence change replaces leucine, which is neutral and non-polar, with proline, which is neutral and non-polar, at codon 539 of the TSC2 protein (p.Leu539Pro). This variant is not present in population databases (gnomAD no frequency). This variant has not been reported in the literature in individuals affected with TSC2-related conditions. Advanced modeling of protein sequence and biophysical properties (such as structural, functional, and spatial information, amino acid conservation, physicochemical variation, residue mobility, and thermodynamic stability) performed at Invitae indicates that this missense variant is not expected to disrupt TSC2 protein function. In summary, the available evidence is currently insufficient to determine the role of this variant in disease. Therefore, it has been classified as a Variant of Uncertain Significance.